The following is an entry in ClinVar:

NM_144687.4(NLRP12):c.1867G>A (p.Glu623Lys)

Gene: NLRP12 (NLR family pyrin domain containing 12; minus strand). Cytogenetic location: 19q13.42.
Variant type: single nucleotide variant.
Coding change: c.1867G>A on transcript NM_144687.4 (MANE Select); coding-DNA position 1867, G replaced by A.
Protein change: p.Glu623Lys; replaces glutamic acid 623 with lysine.
Molecular consequence: missense variant.
Genome position (GRCh38, 1-based): chr19:53,809,792, C>T on the plus strand (G>A on the coding strand, the complement: NLRP12 is on the minus strand). VCF-style: chr19-53809792-C-T. GRCh37 (hg19) VCF-style: chr19-54313046-C-T.
Other names: c.1867G>A, p.Glu623Lys (NM_001277126.2, NM_001277129.1); short protein forms E623K.
Identifiers: ClinVar variation 966623 (VCV000966623.9), dbSNP rs2092030387, ClinGen allele CA407412265.

ClinVar aggregate classification (germline): Uncertain significance (1 of 4 stars; one submission).

Conditions:
Familial cold autoinflammatory syndrome 2 (FCAS2). Identifiers: Orphanet 247868, MedGen C2673198, MONDO:0012724, OMIM 611762.

Submission:

Labcorp Genetics (formerly Invitae), Labcorp
Classification: Uncertain significance for Familial cold autoinflammatory syndrome 2. Last evaluated: 2019-10-12. Review status: criteria provided, single submitter. Criteria: Invitae Variant Classification Sherloc (09022015). Collection method: clinical testing. Allele origin: germline.
Comment: This variant is not present in population databases (ExAC no frequency). In summary, the available evidence is currently insufficient to determine the role of this variant in disease. Therefore, it has been classified as a Variant of Uncertain Significance. Algorithms developed to predict the effect of missense changes on protein structure and function output the following: SIFT: "Deleterious"; PolyPhen-2: "Benign"; Align-GVGD: "Class C55". The lysine amino acid residue is found in multiple mammalian species, suggesting that this missense change does not adversely affect protein function. These predictions have not been confirmed by published functional studies and their clinical significance is uncertain. This variant has not been reported in the literature in individuals with NLRP12-related conditions. This sequence change replaces glutamic acid with lysine at codon 623 of the NLRP12 protein (p.Glu623Lys). The glutamic acid residue is highly conserved and there is a small physicochemical difference between glutamic acid and lysine.